The following is an entry in ClinVar:

NM_001048174.2(MUTYH):c.533A>T (p.Glu178Val)

Gene: MUTYH (mutY DNA glycosylase; minus strand). Cytogenetic location: 1p34.1.
Variant type: single nucleotide variant.
Coding change: c.533A>T on transcript NM_001048174.2 (MANE Select); coding-DNA position 533, A replaced by T.
Protein change: p.Glu178Val; replaces glutamic acid 178 with valine.
Molecular consequence: missense variant. On other transcripts: non-coding transcript variant (7).
Genome position (GRCh38, 1-based): chr1:45,332,647, T>A on the plus strand (A>T on the coding strand, the complement: MUTYH is on the minus strand). VCF-style: chr1-45332647-T-A. GRCh37 (hg19) VCF-style: chr1-45798319-T-A.
Other names: c.188A>T, p.Glu63Val (NM_001350651.2, NM_001407082.1, NM_001350650.2); c.566A>T, p.Glu189Val (NM_001407069.1, NM_001293191.2, NM_001407077.1); c.533A>T, p.Glu178Val (NM_001407081.1, NM_001407088.1, NM_001407089.1 and 6 more transcripts); c.575A>T, p.Glu192Val (NM_001407083.1, NM_001407085.1); c.536A>T, p.Glu179Val (NM_001407086.1, NM_001048172.2, NM_001407071.1 and 1 more transcripts); c.554A>T, p.Glu185Val (NM_001407087.1); c.257A>T, p.Glu86Val (NM_001407091.1, NM_001293192.2, NM_001293196.2); c.608A>T, p.Glu203Val (NM_012222.3); and 5 more; short protein forms E185V, E86V, E178V, E179V, E189V, E192V, E164V, E193V.
Identifiers: ClinVar variation 4113762 (VCV004113762.1).

ClinVar aggregate classification (germline): Uncertain significance (1 of 4 stars; one submission).

Conditions:
Hereditary cancer-predisposing syndrome. Also called: Hereditary neoplastic syndrome; Neoplastic Syndromes, Hereditary; Tumor predisposition; Hereditary Cancer Syndrome. Identifiers: Orphanet 140162, MedGen C0027672, MeSH D009386, MONDO:0015356.

Submission:

Ambry Genetics
Classification: Uncertain significance for Hereditary cancer-predisposing syndrome. Last evaluated: 2025-08-27. Review status: criteria provided, single submitter. Criteria: Ambry Variant Classification Scheme 2023. Collection method: clinical testing. Allele origin: germline.
Comment: The p.E206V variant (also known as c.617A>T), located in coding exon 8 of the MUTYH gene, results from an A to T substitution at nucleotide position 617. The glutamic acid at codon 206 is replaced by valine, an amino acid with dissimilar properties. This amino acid position is conserved. In addition, the in silico prediction for this alteration is inconclusive. Based on the available evidence, the clinical significance of this variant remains unclear.